The following is an entry in ClinVar:

NM_001128225.3(SLC39A13):c.919+5G>A

Gene: SLC39A13 (solute carrier family 39 member 13; plus strand). Cytogenetic location: 11p11.2.
Variant type: single nucleotide variant.
Coding change: c.919+5G>A on transcript NM_001128225.3 (MANE Select); 5 bases into the intron after coding-DNA position 919, G replaced by A.
Molecular consequence: intron variant.
Genome position (GRCh38, 1-based): chr11:47,414,914, G>A. VCF-style: chr11-47414914-G-A. GRCh37 (hg19) VCF-style: chr11-47436465-G-A.
Other names: c.919+5G>A (NM_152264.5); c.915+9G>A (NM_001330245.2).
Identifiers: ClinVar variation 2184024 (VCV002184024.1), dbSNP rs71475911, ClinGen allele CA5975983.
Genomic context (GRCh38, chr11:47,414,914, plus strand): 5'-GGGGGGCCTACTGGGCGCTGGCTTCGCCATCTGTACCCAGTCCCCCAAGGGAGTAGGTAC[G>A]GGCGTGGCGGGTGGTTGTGGCGGGTGGCATCAGCAGAGGGGCACCAGCCAAAGGGTGTGG-3'

ClinVar aggregate classification (germline): Uncertain significance (1 of 4 stars; one submission).

Conditions:
Ehlers-Danlos syndrome, spondylodysplastic type, 3. Also called: Ehlers-Danlos syndrome, spondylocheirodysplastic type. Identifiers: Orphanet 157965, MedGen C2676510, MONDO:0012873, OMIM 612350.

Allele frequency attached by ClinVar (database versions not stated): ExAC 0.00001; gnomAD 0.00001; gnomAD exomes 0.00001.

Submission:

Labcorp Genetics (formerly Invitae), Labcorp
Classification: Uncertain significance for Ehlers-Danlos syndrome, spondylodysplastic type, 3. Last evaluated: 2022-07-05. Review status: criteria provided, single submitter. Criteria: Invitae Variant Classification Sherloc (09022015). Collection method: clinical testing. Allele origin: germline.
Comment: This sequence change falls in intron 8 of the SLC39A13 gene. It does not directly change the encoded amino acid sequence of the SLC39A13 protein. It affects a nucleotide within the consensus splice site. This variant is present in population databases (rs71475911, gnomAD 0.007%). This variant has not been reported in the literature in individuals affected with SLC39A13-related conditions. Variants that disrupt the consensus splice site are a relatively common cause of aberrant splicing (PMID: 17576681, 9536098). Algorithms developed to predict the effect of sequence changes on RNA splicing suggest that this variant is not likely to affect RNA splicing. In summary, the available evidence is currently insufficient to determine the role of this variant in disease. Therefore, it has been classified as a Variant of Uncertain Significance.

Literature cited by the submitters: PubMed 17576681; PubMed 9536098.